The following is an entry in ClinVar:

ClinVar aggregate classification (germline): Likely pathogenic (1 of 4 stars; one submission).

Conditions:
Rhabdoid tumor predisposition syndrome 2 (RTPS2). Identifiers: Orphanet 231108, Orphanet 69077, MedGen C2750074, MONDO:0013224, OMIM 613325.

Submission:

Labcorp Genetics (formerly Invitae), Labcorp
Classification: Likely pathogenic for Rhabdoid tumor predisposition syndrome 2. Last evaluated: 2022-05-18. Review status: criteria provided, single submitter. Criteria: Invitae Variant Classification Sherloc (09022015). Collection method: clinical testing. Allele origin: germline.
Comment: Algorithms developed to predict the effect of sequence changes on RNA splicing suggest that this variant may disrupt the consensus splice site. In summary, the currently available evidence indicates that the variant is pathogenic, but additional data are needed to prove that conclusively. Therefore, this variant has been classified as Likely Pathogenic. This variant has not been reported in the literature in individuals affected with SMARCA4-related conditions. This sequence change affects an acceptor splice site in intron 34 of the SMARCA4 gene. It is expected to disrupt RNA splicing. Variants that disrupt the donor or acceptor splice site typically lead to a loss of protein function (PMID: 16199547), and loss-of-function variants in SMARCA4 are known to be pathogenic (PMID: 24658001, 24658002). This variant is not present in population databases (gnomAD no frequency).

Literature cited by the submitters: PubMed 16199547; PubMed 24658001; PubMed 24658002.

NM_003072.5(SMARCA4):c.4769-2A>G

Gene: SMARCA4 (SWI/SNF related BAF chromatin remodeling complex subunit ATPase 4; plus strand). Cytogenetic location: 19p13.2.
Variant type: single nucleotide variant.
Coding change: c.4769-2A>G on transcript NM_003072.5 (MANE Select); the canonical splice acceptor site of the intron before coding-DNA position 4769, A replaced by G.
Molecular consequence: splice acceptor variant.
Genome position (GRCh38, 1-based): chr19:11,060,043, A>G. VCF-style: chr19-11060043-A-G. GRCh37 (hg19) VCF-style: chr19-11170719-A-G.
Other names: c.4769-2A>G (NM_001128844.3); c.4865-2A>G (NM_001128849.3, NM_001387283.1); c.4670-2A>G (NM_001128847.4, NM_001374457.1); c.4766-2A>G (NM_001411150.1); c.4679-2A>G (NM_001128845.2); c.4676-2A>G (NM_001128846.2); c.4667-2A>G (NM_001128848.2).
Identifiers: ClinVar variation 1996128 (VCV001996128.4), dbSNP rs2147123261, ClinGen allele CA404080130.